The following is an entry in ClinVar:

NM_004006.3(DMD):c.803del (p.Leu268fs)

Gene: DMD (dystrophin; minus strand). Cytogenetic location: Xp21.1.
Variant type: Deletion.
Coding change: c.803del on transcript NM_004006.3 (MANE Select); coding-DNA position 803, one base deleted (T; older notation c.803delT).
Protein change: p.Leu268fs; shifts the reading frame from leucine 268.
Molecular consequence: frameshift variant.
Genome position (GRCh38, 1-based): chrX:32,699,140, A deleted on the plus strand (T on the coding strand, the reverse complement: DMD is on the minus strand); the first of 2 consecutive A bases (chrX:32,699,140-32,699,141); deleting either gives the same sequence. VCF-style (leftmost placement, unchanged base first): chrX-32699139-TA-T. GRCh37 (hg19) VCF-style: chrX-32717256-TA-T.
Other names: c.779del, p.Leu260fs (NM_000109.4); c.791del, p.Leu264fs (NM_004009.3); c.434del, p.Leu145fs (NM_004010.3); short protein forms L145fs, L260fs, L264fs, L268fs.
Identifiers: ClinVar variation 984684 (VCV000984684.3), dbSNP rs2063891560, ClinGen allele CA1139667398.
Genomic context (GRCh38, chrX:32,699,139, plus strand): 5'-TCTTGAATAGTAGCTGTCCTTTACACACTTTACCTGTTGAGAATAGTGCATTTGATGATG[TA>T]ACTGAAAATGTTCTTCTTTAGTCACTTTAGGTGGCCTTGGCAACATTTCCACTTCCTGGA-3'

ClinVar aggregate classification (germline): Likely pathogenic (1 of 4 stars; one submission).

Conditions:
Duchenne muscular dystrophy (DMD). Also called: MUSCULAR DYSTROPHY, PSEUDOHYPERTROPHIC PROGRESSIVE, DUCHENNE TYPE; Duchenne Muscular Dystrophy (DMD). Identifiers: Orphanet 98896, MedGen C0013264, MONDO:0010679, OMIM 310200.

Submission:

Centro de Genética y Biología Molecular, Universidad de San Martín de Porres
Classification: Likely pathogenic for Duchenne muscular dystrophy. Review status: criteria provided, single submitter. Criteria: ACMG Guidelines, 2015. Collection method: clinical testing. Allele origin: germline. Inheritance: X-linked inheritance. Affected: yes. Observed: 1 compound heterozygote.
Comment: The c.803del variant has been reported in Leiden Open (source) Variation Database (LOVD) version 3.0 to be classified as likely pathogenic (recessive) evidence.